The following is an entry in ClinVar:

ClinVar aggregate classification (germline): Likely benign (0 of 4 stars; one submission).

Conditions:
BBS4-related disorder. Also called: BBS4-related condition.

Allele frequency attached by ClinVar (database versions not stated): gnomAD exomes below 0.00001; ExAC 0.00002.
gnomAD v4.1: 5 of 1,614,140 alleles (0.00031%); highest among the groups gnomAD compares: South Asian, 0.0044%; no homozygotes.

Submission:

PreventionGenetics, part of Exact Sciences
Classification: Likely benign for BBS4-related condition. Last evaluated: 2023-02-16. Review status: no assertion criteria provided. Collection method: clinical testing. Allele origin: germline.
Comment: This variant is classified as likely benign based on ACMG/AMP sequence variant interpretation guidelines (Richards et al. 2015 PMID: 25741868, with internal and published modifications).

NM_033028.5(BBS4):c.693T>C (p.Tyr231=)

Gene: BBS4 (Bardet-Biedl syndrome 4; plus strand). Cytogenetic location: 15q24.1.
Variant type: single nucleotide variant.
Coding change: c.693T>C on transcript NM_033028.5 (MANE Select); coding-DNA position 693, T replaced by C.
Protein change: p.Tyr231=; no amino-acid change (tyrosine 231 retained).
Molecular consequence: synonymous variant. On other transcripts: non-coding transcript variant (2), intron variant (1).
Genome position (GRCh38, 1-based): chr15:72,729,666, T>C. VCF-style: chr15-72729666-T-C. GRCh37 (hg19) VCF-style: chr15-73022007-T-C.
Other names: c.177T>C, p.Tyr59= (NM_001252678.2); c.643-1639T>C (NM_001320665.2).
Identifiers: ClinVar variation 3029578 (VCV003029578.2), dbSNP rs757599042, ClinGen allele CA7646726.
Genomic context (GRCh38, chr15:72,729,666, plus strand): 5'-TTTTTCCAAGCTCGGCATTTACCAGAAGGCATTTGAACATCTTGGCAATGCACTGACTTA[T>C]GACCCTACCAACTACAAGGTATTACAGGCTGTGAAGGCTCTGGCCTTCATATAGACGGTC-3'
Protein context (NP_149017.2, residues 221-241): AFEHLGNALT[Tyr231=]DPTNYKAILA